The following is an entry in ClinVar:

NM_005245.4(FAT1):c.6442A>G (p.Lys2148Glu)

Gene: FAT1 (FAT atypical cadherin 1; minus strand). Cytogenetic location: 4q35.2.
Variant type: single nucleotide variant.
Coding change: c.6442A>G on transcript NM_005245.4 (MANE Select); coding-DNA position 6442, A replaced by G.
Protein change: p.Lys2148Glu; replaces lysine 2148 with glutamic acid.
Molecular consequence: missense variant.
Genome position (GRCh38, 1-based): chr4:186,620,144, T>C on the plus strand (A>G on the coding strand, the complement: FAT1 is on the minus strand). VCF-style: chr4-186620144-T-C. GRCh37 (hg19) VCF-style: chr4-187541298-T-C.
Other names: short protein forms K2148E.
Identifiers: ClinVar variation 2655225 (VCV002655225.24), dbSNP rs2126512826, ClinGen allele CA358968729.

ClinVar aggregate classification (germline): Uncertain significance (1 of 4 stars; one submission).

Allele frequency attached by ClinVar (database versions not stated): gnomAD exomes below 0.00001.
gnomAD v4.1: 1 of 1,614,058 alleles (0.000062%); highest among the groups gnomAD compares: Non-Finnish European, 0.000085%; no homozygotes.

Submission:

CeGaT Center for Human Genetics Tuebingen
Classification: Uncertain significance. Last evaluated: 2022-10-01. Review status: criteria provided, single submitter. Criteria: CeGaT Center For Human Genetics Tuebingen Variant Classification Criteria Version 2. Collection method: clinical testing. Allele origin: germline. Affected: yes. Observed: 1 variant allele.
Comment: FAT1: PM2, BP4